The following is an entry in ClinVar:

NM_006180.6(NTRK2):c.1168C>T (p.Pro390Ser)

Gene: NTRK2 (neurotrophic receptor tyrosine kinase 2; plus strand). Cytogenetic location: 9q21.33.
Variant type: single nucleotide variant.
Coding change: c.1168C>T on transcript NM_006180.6 (MANE Select); coding-DNA position 1168, C replaced by T.
Protein change: p.Pro390Ser; replaces proline 390 with serine.
Molecular consequence: missense variant. On other transcripts: intron variant (1).
Genome position (GRCh38, 1-based): chr9:84,741,900, C>T. VCF-style: chr9-84741900-C-T. GRCh37 (hg19) VCF-style: chr9-87356815-C-T.
Other names: c.1168C>T, p.Pro390Ser (NM_001369547.1, NM_001369548.1, NM_001369549.1 and 15 more transcripts); c.700C>T, p.Pro234Ser (NM_001369550.1, NM_001369551.1, NM_001369552.1 and 2 more transcripts); c.1160-3073C>T (NM_001369534.1); c.1129C>T, p.Pro377Ser (NM_001291937.2, NM_001369546.1); short protein forms P234S, P390S, P377S.
Identifiers: ClinVar variation 3672605 (VCV003672605.2).

ClinVar aggregate classification (germline): Uncertain significance (1 of 4 stars; one submission).

Submission:

Labcorp Genetics (formerly Invitae), Labcorp
Classification: Uncertain significance. Last evaluated: 2024-08-31. Review status: criteria provided, single submitter. Criteria: Invitae Variant Classification Sherloc (09022015). Collection method: clinical testing. Allele origin: germline.
Comment: This sequence change replaces proline, which is neutral and non-polar, with serine, which is neutral and polar, at codon 390 of the NTRK2 protein (p.Pro390Ser). This variant is not present in population databases (gnomAD no frequency). This variant has not been reported in the literature in individuals affected with NTRK2-related conditions. Invitae Evidence Modeling of protein sequence and biophysical properties (such as structural, functional, and spatial information, amino acid conservation, physicochemical variation, residue mobility, and thermodynamic stability) indicates that this missense variant is not expected to disrupt NTRK2 protein function with a negative predictive value of 80%. In summary, the available evidence is currently insufficient to determine the role of this variant in disease. Therefore, it has been classified as a Variant of Uncertain Significance.